The following is an entry in ClinVar:

NM_017852.5(NLRP2):c.220C>T (p.Gln74Ter)

Gene: NLRP2 (NLR family pyrin domain containing 2; plus strand). Cytogenetic location: 19q13.42.
Variant type: single nucleotide variant.
Coding change: c.220C>T on transcript NM_017852.5 (MANE Select); coding-DNA position 220, C replaced by T.
Protein change: p.Gln74Ter; replaces glutamine 74 with a stop codon.
Molecular consequence: nonsense. On other transcripts: non-coding transcript variant (1).
Genome position (GRCh38, 1-based): chr19:54,970,235, C>T. VCF-style: chr19-54970235-C-T. GRCh37 (hg19) VCF-style: chr19-55481603-C-T.
Other names: c.220C>T, p.Gln74Ter (NM_001174081.3, NM_001174082.3, NM_001348003.2); c.151C>T, p.Gln51Ter (NM_001174083.2); short protein forms Q51*, Q74*.
Identifiers: ClinVar variation 4057186 (VCV004057186.1).
Genomic context (GRCh38, chr19:54,970,235, plus strand): 5'-CAACTGGTAGAAATCCTCACCACCCATTGTGACAGCTACTGGGTGGAGATGGCGAGCCTC[C>T]AGGTCTTTGAAAAGATGCACCGAATGGATCTGTCTGAGAGAGCAAAGGATGAAGTCAGAG-3'

ClinVar aggregate classification (germline): Uncertain significance (1 of 4 stars; one submission).

Submission:

GeneDx
Classification: Uncertain significance. Last evaluated: 2025-01-14. Review status: criteria provided, single submitter. Criteria: GeneDx Variant Classification Process June 2021. Collection method: clinical testing. Allele origin: germline. Affected: yes.
Comment: Nonsense variant predicted to result in protein truncation or nonsense mediated decay in a gene or region of a gene for which loss of function is not a well-established mechanism of disease; Not observed at significant frequency in large population cohorts (gnomAD); Has not been previously published as pathogenic or benign to our knowledge